The following is an entry in ClinVar:

ClinVar aggregate classification (germline): Conflicting classifications of pathogenicity. Review status: criteria provided, conflicting classifications (1 of 4 stars). 2 submissions from 2 submitters: Uncertain significance (1); Likely benign (1). Last evaluated 2023-03-23.

Conditions:
Hereditary cancer-predisposing syndrome. Also called: Hereditary Cancer Syndrome; Neoplastic Syndromes, Hereditary; Tumor predisposition; Hereditary neoplastic syndrome. Identifiers: Orphanet 140162, MedGen C0027672, MeSH D009386, MONDO:0015356.

Submissions (2):

University of Washington Department of Laboratory Medicine, University of Washington
Classification: Likely benign for Hereditary cancer-predisposing syndrome. Last evaluated: 2023-03-23. Review status: criteria provided, single submitter. Criteria: Dines et al. (Genet Med. 2020). Collection method: curation. Allele origin: germline.
Comment: Missense variant in a coldspot region where missense variants are very unlikely to be pathogenic (PMID:31911673).

BRCA1 coldspot (exon 11 using historical exon numbering). Reclassification based on statistical prior probability

Revvity Omics, Revvity
Classification: Uncertain significance. Last evaluated: 2022-11-30. Review status: criteria provided, single submitter. Criteria: ACMG Guidelines, 2015. Collection method: clinical testing. Allele origin: germline.

NM_007294.4(BRCA1):c.3890C>A (p.Ser1297Tyr)

Genes: BRCA1 (BRCA1 DNA repair associated; minus strand), LOC126862571 (BRD4-independent group 4 enhancer GRCh37_chr17:41243136-41244335; plus strand). Cytogenetic location: 17q21.31.
Variant type: single nucleotide variant.
Coding change: c.3890C>A on transcript NM_007294.4 (MANE Select); coding-DNA position 3890, C replaced by A.
Protein change: p.Ser1297Tyr; replaces serine 1297 with tyrosine.
Molecular consequence: missense variant. On other transcripts: intron variant (135).
Genome position (GRCh38, 1-based): chr17:43,091,641, G>T on the plus strand (C>A on the coding strand, the complement: BRCA1 is on the minus strand). VCF-style: chr17-43091641-G-T. GRCh37 (hg19) VCF-style: chr17-41243658-G-T.
Other names: c.3554C>A, p.Ser1185Tyr (NM_001407958.1, NM_001407954.1, NM_001407955.1 and 1 more transcripts); c.3509C>A, p.Ser1170Tyr (NM_001407959.1, NM_001407960.1, NM_001407963.1); c.3557C>A, p.Ser1186Tyr (NM_001407948.1, NM_001407949.1, NM_001407950.1 and 6 more transcripts); c.3677C>A, p.Ser1226Tyr (NM_001407571.1, NM_001407853.1, NM_001407894.1 and 9 more transcripts); c.3890C>A, p.Ser1297Tyr (NM_001407581.1, NM_001407582.1, NM_001407583.1 and 30 more transcripts); c.3887C>A, p.Ser1296Tyr (NM_001407587.1, NM_001407590.1, NM_001407591.1 and 22 more transcripts); c.3881C>A, p.Ser1294Tyr (NM_001407646.1, NM_001407647.1); c.3767C>A, p.Ser1256Tyr (NM_001407648.1, NM_001407664.1, NM_001407665.1 and 19 more transcripts); and 41 more; short protein forms S1001Y, S1129Y, S1169Y, S1170Y, S1185Y, S1186Y, S1208Y, S1209Y.
Identifiers: ClinVar variation 2439558 (VCV002439558.5), dbSNP rs2154278571, ClinGen allele CA10594181.